The following is an entry in ClinVar:

NM_000271.5(NPC1):c.3592-7_3592-3del

Gene: NPC1 (NPC intracellular cholesterol transporter 1; minus strand). Cytogenetic location: 18q11.2.
Variant type: Deletion.
Coding change: c.3592-7_3592-3del on transcript NM_000271.5 (MANE Select); 7 bases into the intron before coding-DNA position 3592 through 3 bases into the intron before coding-DNA position 3592, 5 bases deleted (CTTTT; older notation c.3592-7_3592-3delCTTTT).
Molecular consequence: intron variant.
Genome position (GRCh38, 1-based): chr18:23,533,520-23,533,524, AAAAG deleted on the plus strand (CTTTT on the coding strand, the reverse complement: NPC1 is on the minus strand); deleting any 5 consecutive bases within chr18:23,533,520-23,533,526 gives the same sequence; the c. name uses the placement nearest the transcript's 3' end. VCF-style (leftmost placement, unchanged base first): chr18-23533519-TAAAAG-T. GRCh37 (hg19) VCF-style: chr18-21113483-TAAAAG-T.
Other names: c.3592-7_3592-3del5 (NM_000271.4).
Identifiers: ClinVar variation 558202 (VCV000558202.3), dbSNP rs760935117, ClinGen allele CA8912693.

ClinVar aggregate classification (germline): Likely pathogenic. Review status: criteria provided, single submitter (1 of 4 stars). 2 submissions from 2 submitters: Likely pathogenic (1). 1 of the submissions does not count toward it. Last evaluated 2023-06-09.

Conditions:
NPC1-related disorder. Also called: NPC1-related condition.
Niemann-Pick disease, type C1. Also called: NIEMANN-PICK DISEASE, VARIANT TYPE C1; NEUROVISCERAL STORAGE DISEASE WITH VERTICAL SUPRANUCLEAR OPHTHALMOPLEGIA; NIEMANN-PICK DISEASE WITH CHOLESTEROL ESTERIFICATION BLOCK; NIEMANN-PICK DISEASE WITHOUT SPHINGOMYELINASE DEFICIENCY; NIEMANN-PICK DISEASE, CHRONIC NEURONOPATHIC FORM. Identifiers: Orphanet 646, MedGen C3179455, MONDO:0009757, OMIM 257220.

Submissions (2):

PreventionGenetics, part of Exact Sciences
Classification: Likely pathogenic for NPC1-related condition. Last evaluated: 2023-06-09. Review status: criteria provided, single submitter. Criteria: ACMG Guidelines, 2015. Collection method: clinical testing. Allele origin: germline.
Comment: The NPC1 c.3592-7_3592-3del5 variant is predicted to result in an intronic deletion. This variant was reported, along with another pathogenic variant in NPC1, in an individual with Niemann-Pick disease, type C. This variant leads to a transcriptional splicing error resulting in the deletion of mRNA exon 24 (Jahnova et al 2014. PubMed ID: 25236789). This variant is reported in 0.0026% of alleles in individuals of European (Non-Finnish) descent in gnomAD. This variant is interpreted as likely pathogenic.

Counsyl
Classification: Uncertain significance for Niemann-Pick disease, type C1. Last evaluated: 2018-05-06. Review status: no assertion criteria provided. Collection method: clinical testing. Allele origin: unknown. Not counted in ClinVar's aggregate classification.

Literature cited by the submitters: PubMed 25236789 (cited by Counsyl).